The following is an entry in ClinVar:

ClinVar aggregate classification (germline): Uncertain significance. Review status: criteria provided, multiple submitters, no conflicts (2 of 4 stars). 2 submissions from 2 submitters: Uncertain significance (2). Last evaluated 2025-08-07.

Conditions:
Inborn genetic diseases. Identifiers: MedGen C0950123, MeSH D030342.

Allele frequency attached by ClinVar (database versions not stated): gnomAD exomes 0.00001; ExAC 0.00004; ESP Exome Variant Server 0.00008; gnomAD 0.00013; 1000 Genomes Project 30x 0.00016; 1000 Genomes Project 0.00020; TOPMed 0.00020.
gnomAD v4.1: 40 of 1,612,826 alleles (0.0025%); highest among the groups gnomAD compares: African/African-American, 0.047%; no homozygotes.

Submissions (2):

Ambry Genetics
Classification: Uncertain significance for Inborn genetic diseases. Last evaluated: 2025-08-07. Review status: criteria provided, single submitter. Criteria: Ambry Variant Classification Scheme 2023. Collection method: clinical testing. Allele origin: germline.

GeneDx
Classification: Uncertain significance. Last evaluated: 2022-06-16. Review status: criteria provided, single submitter. Criteria: GeneDx Variant Classification Process June 2021. Collection method: clinical testing. Allele origin: germline. Affected: yes.
Comment: In silico analysis supports that this missense variant does not alter protein structure/function; Has not been previously published as pathogenic or benign to our knowledge

NM_130466.4(UBE3B):c.112G>T (p.Ala38Ser)

Gene: UBE3B (ubiquitin protein ligase E3B; plus strand). Cytogenetic location: 12q24.11.
Variant type: single nucleotide variant.
Coding change: c.112G>T on transcript NM_130466.4 (MANE Select); coding-DNA position 112, G replaced by T.
Protein change: p.Ala38Ser; replaces alanine 38 with serine.
Molecular consequence: missense variant.
Genome position (GRCh38, 1-based): chr12:109,483,663, G>T. VCF-style: chr12-109483663-G-T. GRCh37 (hg19) VCF-style: chr12-109921468-G-T.
Other names: c.112G>T, p.Ala38Ser (NM_183415.3, NM_001270449.2, NM_001270450.2 and 1 more transcripts); c.112G>T (NM_130466.2); short protein forms A38S.
Identifiers: ClinVar variation 1804367 (VCV001804367.2), dbSNP rs200114053, ClinGen allele CA6777381.